The following is an entry in ClinVar:

NM_015338.6(ASXL1):c.517G>T (p.Val173Phe)

Gene: ASXL1 (ASXL transcriptional regulator 1; plus strand). Cytogenetic location: 20q11.21.
Variant type: single nucleotide variant.
Coding change: c.517G>T on transcript NM_015338.6 (MANE Select); coding-DNA position 517, G replaced by T.
Protein change: p.Val173Phe; replaces valine 173 with phenylalanine.
Molecular consequence: missense variant.
Genome position (GRCh38, 1-based): chr20:32,429,383, G>T. VCF-style: chr20-32429383-G-T. GRCh37 (hg19) VCF-style: chr20-31017186-G-T.
Other names: c.487G>T, p.Val163Phe (NM_001363734.1); short protein forms V173F, V163F.
Identifiers: ClinVar variation 3686917 (VCV003686917.2).

ClinVar aggregate classification (germline): Uncertain significance (1 of 4 stars; one submission).

Submission:

Labcorp Genetics (formerly Invitae), Labcorp
Classification: Uncertain significance. Last evaluated: 2024-02-02. Review status: criteria provided, single submitter. Criteria: Invitae Variant Classification Sherloc (09022015). Collection method: clinical testing. Allele origin: germline.
Comment: This sequence change replaces valine, which is neutral and non-polar, with phenylalanine, which is neutral and non-polar, at codon 173 of the ASXL1 protein (p.Val173Phe). This variant is not present in population databases (gnomAD no frequency). This variant has not been reported in the literature in individuals affected with ASXL1-related conditions. An algorithm developed to predict the effect of missense changes on protein structure and function (PolyPhen-2) suggests that this variant is likely to be disruptive. In summary, the available evidence is currently insufficient to determine the role of this variant in disease. Therefore, it has been classified as a Variant of Uncertain Significance.